The following is an entry in ClinVar:

NM_020693.4(DSCAML1):c.6017C>T (p.Pro2006Leu)

Gene: DSCAML1 (DS cell adhesion molecule like 1; minus strand). Cytogenetic location: 11q23.3.
Variant type: single nucleotide variant.
Coding change: c.6017C>T on transcript NM_020693.4 (MANE Select); coding-DNA position 6017, C replaced by T.
Protein change: p.Pro2006Leu; replaces proline 2006 with leucine.
Molecular consequence: missense variant.
Genome position (GRCh38, 1-based): chr11:117,428,473, G>A on the plus strand (C>T on the coding strand, the complement: DSCAML1 is on the minus strand). VCF-style: chr11-117428473-G-A. GRCh37 (hg19) VCF-style: chr11-117299189-G-A.
Other names: short protein forms P2006L.
Identifiers: ClinVar variation 3665455 (VCV003665455.2).

ClinVar aggregate classification (germline): Uncertain significance (1 of 4 stars; one submission).

gnomAD v4.1: 86 of 1,531,210 alleles (0.0056%); highest among the groups gnomAD compares: Non-Finnish European, 0.0069%; no homozygotes.

Submission:

Labcorp Genetics (formerly Invitae), Labcorp
Classification: Uncertain significance. Last evaluated: 2024-06-02. Review status: criteria provided, single submitter. Criteria: Invitae Variant Classification Sherloc (09022015). Collection method: clinical testing. Allele origin: germline.
Comment: This sequence change replaces proline, which is neutral and non-polar, with leucine, which is neutral and non-polar, at codon 2066 of the DSCAML1 protein (p.Pro2066Leu). This variant is present in population databases (rs761991944, gnomAD 0.006%). This variant has not been reported in the literature in individuals affected with DSCAML1-related conditions. An algorithm developed to predict the effect of missense changes on protein structure and function (PolyPhen-2) suggests that this variant is likely to be tolerated. In summary, the available evidence is currently insufficient to determine the role of this variant in disease. Therefore, it has been classified as a Variant of Uncertain Significance.